The following is an entry in ClinVar:

NM_001374736.1(DST):c.11818A>C (p.Lys3940Gln)

Gene: DST (dystonin; minus strand). Cytogenetic location: 6p12.1.
Variant type: single nucleotide variant.
Coding change: c.11818A>C on transcript NM_001374736.1 (MANE Select); coding-DNA position 11818, A replaced by C.
Protein change: p.Lys3940Gln; replaces lysine 3940 with glutamine.
Molecular consequence: missense variant.
Genome position (GRCh38, 1-based): chr6:56,598,586, T>G on the plus strand (A>C on the coding strand, the complement: DST is on the minus strand). VCF-style: chr6-56598586-T-G. GRCh37 (hg19) VCF-style: chr6-56463384-T-G.
Other names: c.5461A>C, p.Lys1821Gln (NM_001144769.5); c.5047A>C, p.Lys1683Gln (NM_001144770.2); c.11818A>C, p.Lys3940Gln (NM_001374722.1); c.11185A>C, p.Lys3729Gln (NM_001374729.1); c.4927A>C, p.Lys1643Gln (NM_001374730.1, NM_001386100.1, NM_183380.4); c.11845A>C, p.Lys3949Gln (NM_001374734.1); c.3949A>C, p.Lys1317Gln (NM_015548.5); short protein forms K1643Q, K1317Q, K3949Q, K1821Q, K3729Q, K3940Q, K1683Q.
Identifiers: ClinVar variation 1747673 (VCV001747673.2), dbSNP rs2536247640, ClinGen allele CA364529140.
Genomic context (GRCh38, chr6:56,598,586, plus strand): 5'-TTTTAGACTGTTCTGCTTTTAAATTAAGCTGTTCACACTTTATCTTAGCTTCATTAAGTT[T>G]CTGTTCAATCAAAGCCTTATCTTCCTGTGACAGCTTTTCACCATTCTCTTTTAAGAAGTT-3'
Protein context (NP_001361665.1, residues 3930-3950): SQEDKALIEQ[Lys3940Gln]LNEAKIKCEQ

ClinVar aggregate classification (germline): Uncertain significance (1 of 4 stars; one submission).

Conditions:
Inborn genetic diseases. Identifiers: MedGen C0950123, MeSH D030342.

Submission:

Ambry Genetics
Classification: Uncertain significance for Inborn genetic diseases. Last evaluated: 2021-03-31. Review status: criteria provided, single submitter. Criteria: Ambry Variant Classification Scheme 2023. Collection method: clinical testing. Allele origin: germline.
Comment: The p.K1821Q variant (also known as c.5461A>C), located in coding exon 40 of the DST gene, results from an A to C substitution at nucleotide position 5461. The lysine at codon 1821 is replaced by glutamine, an amino acid with similar properties. This amino acid position is highly conserved in available vertebrate species. In addition, this alteration is predicted to be tolerated by in silico analysis. Since supporting evidence is limited at this time, the clinical significance of this alteration remains unclear.